The following is an entry in ClinVar:

ClinVar aggregate classification (germline): Pathogenic (1 of 4 stars; one submission).

Conditions:
LAMA2-related muscular dystrophy (LAMA2-RD). Also called: Laminin alpha 2-related dystrophy. Identifiers: MedGen C5679788, MONDO:0100228.

Submission:

Labcorp Genetics (formerly Invitae), Labcorp
Classification: Pathogenic for LAMA2-related muscular dystrophy. Last evaluated: 2022-06-07. Review status: criteria provided, single submitter. Criteria: Invitae Variant Classification Sherloc (09022015). Collection method: clinical testing. Allele origin: germline.
Comment: This sequence change creates a premature translational stop signal (p.Asp356*) in the LAMA2 gene. It is expected to result in an absent or disrupted protein product. Loss-of-function variants in LAMA2 are known to be pathogenic (PMID: 18700894, 32904964). This variant is not present in population databases (gnomAD no frequency). This variant has not been reported in the literature in individuals affected with LAMA2-related conditions. For these reasons, this variant has been classified as Pathogenic.

Literature cited by the submitters: PubMed 18700894; PubMed 32904964.

NM_000426.4(LAMA2):c.1065dup (p.Asp356Ter)

Gene: LAMA2 (laminin subunit alpha 2; plus strand). Cytogenetic location: 6q22.33.
Variant type: Duplication.
Coding change: c.1065dup on transcript NM_000426.4 (MANE Select); coding-DNA position 1065, one base duplicated (T; older notation c.1065dupT).
Protein change: p.Asp356Ter; replaces aspartic acid 356 with a stop codon.
Molecular consequence: nonsense.
Genome position (GRCh38, 1-based): chr6:129,154,542, T duplicated. VCF-style (leftmost placement, unchanged base first): chr6-129154541-A-AT. GRCh37 (hg19) VCF-style: chr6-129475686-A-AT.
Other names: c.1065dup, p.Asp356Ter (NM_001079823.2); short protein forms D356*.
Identifiers: ClinVar variation 2003147 (VCV002003147.4), dbSNP rs2482624911, ClinGen allele CA2580074927.